The following is an entry in ClinVar:

ClinVar aggregate classification (germline): Pathogenic/Likely pathogenic. Review status: criteria provided, multiple submitters, no conflicts (2 of 4 stars). 7 submissions from 7 submitters: Pathogenic (5); Likely pathogenic (1). 1 of the submissions does not count toward it. Last evaluated 2026-07-21.

Conditions:
HYPERHOMOCYSTEINEMIA, THROMBOTIC, CBS-RELATED. Identifiers: MedGen C3150344, OMIM 236200.
CBS-related disorder. Also called: CBS-related condition.
Homocystinuria. Identifiers: MedGen C0019880, MONDO:0004737, HP:0002156.
Classic homocystinuria. Also called: HOMOCYSTINURIA WITH OR WITHOUT RESPONSE TO PYRIDOXINE; Homocystinuria due to Cystathionine Beta-Synthase Deficiency; Homocystinuria due to CBS deficiency; Cystathionine beta-synthase deficiency; CBS deficiency. Identifiers: Orphanet 394, MedGen C0751202, MONDO:0009352, OMIM 236200.

Submissions (7):

PreventionGenetics, part of Exact Sciences
Classification: Pathogenic for CBS-related condition. Last evaluated: 2026-07-21. Review status: criteria provided, single submitter. Criteria: ACMG Guidelines, 2015. Collection method: clinical testing. Allele origin: germline.
Comment: The CBS c.302T>C variant is predicted to result in the amino acid substitution p.Leu101Pro. This variant was reported in the homozygous state or in a compound heterozygous state with a known pathogenic variant in several patients with homocystinuria and CBS deficiency (see for example Gallagher et al. 1998. PubMed ID: 9889017; Kruger et al. 2003. PubMed ID: 14635102). Both in vitro and in vivo studies show this variant to be deleterious to protein and enzyme function (Mayfield et al. 2012. PubMed ID: 22267502; Singh et al. 2010. PubMed ID: 20066033; Gaustadnes et al. 2002. PubMed ID: 12124992). This variant has not been reported in a large population database (gnomAD), indicating this variant is rare. This variant is interpreted as pathogenic.

Labcorp Genetics (formerly Invitae), Labcorp
Classification: Pathogenic for HYPERHOMOCYSTEINEMIA, THROMBOTIC, CBS-RELATED. Last evaluated: 2025-12-15. Review status: criteria provided, single submitter. Criteria: Invitae Variant Classification Sherloc (09022015). Collection method: clinical testing. Allele origin: germline.
Comment: This sequence change replaces leucine, which is neutral and non-polar, with proline, which is neutral and non-polar, at codon 101 of the CBS protein (p.Leu101Pro). This variant is not present in population databases (gnomAD no frequency). This missense change has been observed in individual(s) with cystathionine β-synthase (CBS) deficiency (PMID: 9889017, 12124992, 14635102). In at least one individual the data is consistent with being in trans (on the opposite chromosome) from a pathogenic variant. It has also been observed to segregate with disease in related individuals. ClinVar contains an entry for this variant (Variation ID: 189185). Invitae Evidence Modeling of protein sequence and biophysical properties (such as structural, functional, and spatial information, amino acid conservation, physicochemical variation, residue mobility, and thermodynamic stability) indicates that this missense variant is expected to disrupt CBS protein function with a positive predictive value of 95%. Experimental studies have shown that this missense change affects CBS function (PMID: 12124992, 14635102, 20066033, 22267502). For these reasons, this variant has been classified as Pathogenic.

Natera, Inc.
Classification: Likely pathogenic for Homocystinuria due to cystathionine beta-synthase deficiency. Last evaluated: 2024-09-26. Review status: criteria provided, single submitter. Criteria: Natera Variant Classification Schema (03/2026). Collection method: clinical testing. Allele origin: germline.
Comment: The c.302T>C variant in CBS is a missense variant predicted to cause substitution of leucine to proline at amino acid 101. This variant is rare in the general population with a frequency below the threshold expected for the associated phenotype(s). This variant has been observed in one or more individuals affected with the associated recessive disease, as either homozygous or compound heterozygous with a second variant (PMID: 9889017, 12124992, 14635102). Additionally, this variant has been observed to segregate in affected family members (PMID: 9889017, 12124992). Computational prediction algorithms indicate this variant is likely to affect gene or protein function. Given the available evidence, this variant is classified as Likely Pathogenic.

Baylor Genetics
Classification: Pathogenic for Classic homocystinuria. Last evaluated: 2024-02-05. Review status: criteria provided, single submitter. Criteria: ACMG Guidelines, 2015. Collection method: clinical testing. Allele origin: unknown.

Blueprint Genetics
Classification: Pathogenic for CBS-related disorders. Last evaluated: 2023-08-17. Review status: criteria provided, single submitter. Criteria: ACMG Guidelines, 2015. Collection method: clinical testing. Allele origin: germline. Affected: yes. Observed: 1 variant allele.

Women's Health and Genetics/Laboratory Corporation of America, LabCorp
Classification: Pathogenic for Homocystinuria. Last evaluated: 2020-07-20. Review status: criteria provided, single submitter. Criteria: LabCorp Variant Classification Summary - May 2015. Collection method: clinical testing. Allele origin: germline.
Comment: Variant summary: CBS c.302T>C (p.Leu101Pro) results in a non-conservative amino acid change located in the Pyridoxal-phosphate dependent enzyme domain (IPR001926) of the encoded protein sequence. Five of five in-silico tools predict a damaging effect of the variant on protein function. The variant was absent in 251342 control chromosomes (gnomAD). c.302T>C has been reported in the literature, in the homozygous or compound heterozygous state, in multiple individuals affected with Homocystinuria (e.g. Gallagher_1998, Gaustadnes_2002). These data indicate that the variant is very likely to be associated with disease. Experimental evidence evaluating an impact on protein function demonstrated the variant to be devoid of CBS activity (e.g. Gaustadnes_2002, Singh_2010, Mayfield_2012). Two ClinVar submitters (evaluation after 2014) cite the variant as pathogenic/likely pathogenic. Based on the evidence outlined above, the variant was classified as pathogenic.

Counsyl
Classification: Likely pathogenic for Homocystinuria due to CBS deficiency. Last evaluated: 2015-02-18. Review status: no assertion criteria provided. Collection method: literature only. Allele origin: unknown. Inheritance: Autosomal recessive inheritance. Not counted in ClinVar's aggregate classification.

Literature cited by the submitters: PubMed 9889017 (cited by 4 submitters); PubMed 12124992 (cited by 4 submitters); PubMed 14635102 (cited by 3 submitters); PubMed 20066033 (cited by 3 submitters); PubMed 22267502 (cited by 3 submitters); PubMed 20455263 (cited by Women's Health and Genetics/Laboratory Corporation of America, LabCorp and Counsyl); PubMed 12686134 (cited by Counsyl); PubMed 17069888 (cited by Counsyl).

NM_000071.3(CBS):c.302T>C (p.Leu101Pro)

Gene: CBS (cystathionine beta-synthase; minus strand). Cytogenetic location: 21q22.3.
Variant type: single nucleotide variant.
Coding change: c.302T>C on transcript NM_000071.3 (MANE Select); coding-DNA position 302, T replaced by C.
Protein change: p.Leu101Pro; replaces leucine 101 with proline.
Molecular consequence: missense variant.
Genome position (GRCh38, 1-based): chr21:43,068,523, A>G on the plus strand (T>C on the coding strand, the complement: CBS is on the minus strand). VCF-style: chr21-43068523-A-G. GRCh37 (hg19) VCF-style: chr21-44488633-A-G.
Other names: c.302T>C, p.Leu101Pro (NM_001178008.3, NM_001178009.3, NM_001320298.2); short protein forms L101P.
Identifiers: ClinVar variation 189185 (VCV000189185.20), dbSNP rs786204757, ClinGen allele CA274473.
Genomic context (GRCh38, chr21:43,068,523, plus strand): 5'-CCCAGTGTAGATGGAGGAAGCCCCTCTCCAAAGCCAGGGCACTCACAGAGCTCACACTTC[A>G]GGCCGAACTTCTTCCCAATCTTGTTGATTCTGACCATAGGGGTGTCCCCGATTTTCTTCA-3'
Protein context (NP_000062.1, residues 91-111): RINKIGKKFG[Leu101Pro]KCELLAKCEF